The following is an entry in ClinVar:

ClinVar aggregate classification (germline): Uncertain significance (1 of 4 stars; one submission).

gnomAD v4.1: 2 of 1,614,068 alleles (0.00012%); highest among the groups gnomAD compares: African/African-American, 0.0013%; no homozygotes.

Submission:

Ambry Genetics
Classification: Uncertain significance. Last evaluated: 2024-08-21. Review status: criteria provided, single submitter. Criteria: Ambry Variant Classification Scheme 2023. Collection method: clinical testing. Allele origin: germline.
Comment: The p.T374S variant (also known as c.1121C>G), located in coding exon 9 of the FAM175A gene, results from a C to G substitution at nucleotide position 1121. The threonine at codon 374 is replaced by serine, an amino acid with similar properties. This amino acid position is conserved. In addition, this alteration is predicted to be tolerated by in silico analysis. Based on the available evidence, the clinical significance of this variant remains unclear.

NM_139076.3(ABRAXAS1):c.1121C>G (p.Thr374Ser)

Gene: ABRAXAS1 (abraxas 1, BRCA1 A complex subunit; minus strand). Cytogenetic location: 4q21.23.
Variant type: single nucleotide variant.
Coding change: c.1121C>G on transcript NM_139076.3 (MANE Select); coding-DNA position 1121, C replaced by G.
Protein change: p.Thr374Ser; replaces threonine 374 with serine.
Molecular consequence: missense variant.
Genome position (GRCh38, 1-based): chr4:83,462,578, G>C on the plus strand (C>G on the coding strand, the complement: ABRAXAS1 is on the minus strand). VCF-style: chr4-83462578-G-C. GRCh37 (hg19) VCF-style: chr4-84383731-G-C.
Other names: c.794C>G, p.Thr265Ser (NM_001345962.2); short protein forms T374S, T265S.
Identifiers: ClinVar variation 3446661 (VCV003446661.1).